The following is an entry in ClinVar:

NM_001447.3(FAT2):c.7484T>C (p.Met2495Thr)

Genes: FAT2 (FAT atypical cadherin 2; minus strand), SLC36A1 (solute carrier family 36 member 1; plus strand). Cytogenetic location: 5q33.1.
Variant type: single nucleotide variant.
Coding change: c.7484T>C on transcript NM_001447.3 (MANE Select); coding-DNA position 7484, T replaced by C.
Protein change: p.Met2495Thr; replaces methionine 2495 with threonine.
Molecular consequence: missense variant.
Genome position (GRCh38, 1-based): chr5:151,543,643, A>G on the plus strand (T>C on the coding strand, the complement: FAT2 is on the minus strand). VCF-style: chr5-151543643-A-G. GRCh37 (hg19) VCF-style: chr5-150923204-A-G.
Other names: short protein forms M2495T.
Identifiers: ClinVar variation 2981241 (VCV002981241.3), dbSNP rs373078568, ClinGen allele CA3520951.
Genomic context (GRCh38, chr5:151,543,643, plus strand): 5'-GTGCCATAGGGACCACTATCTTTGTCTATGGCTAGCAAATCAATCACCTTGGTTCCAACC[A>G]TTGCATTCTCTGCTAATTCTGCCTCATAAAGGTGCTGCTGGAACTCTGGGCTGTACTTGT-3'
Protein context (NP_001438.1, residues 2485-2505): LYEAELAENA[Met2495Thr]VGTKVIDLLA

ClinVar aggregate classification (germline): Uncertain significance (1 of 4 stars; one submission).

Allele frequency attached by ClinVar (database versions not stated): ESP Exome Variant Server 0.00008; ExAC 0.00004.
gnomAD v4.1: 27 of 1,614,072 alleles (0.0017%); highest among the groups gnomAD compares: African/African-American, 0.027%; no homozygotes.

Submission:

Labcorp Genetics (formerly Invitae), Labcorp
Classification: Uncertain significance. Last evaluated: 2025-08-11. Review status: criteria provided, single submitter. Criteria: Invitae Variant Classification Sherloc (09022015). Collection method: clinical testing. Allele origin: germline.
Comment: This sequence change replaces methionine, which is neutral and non-polar, with threonine, which is neutral and polar, at codon 2495 of the FAT2 protein (p.Met2495Thr). This variant is present in population databases (rs373078568, gnomAD 0.04%). This variant has not been reported in the literature in individuals affected with FAT2-related conditions. ClinVar contains an entry for this variant (Variation ID: 2981241). Invitae Evidence Modeling of protein sequence and biophysical properties (such as structural, functional, and spatial information, amino acid conservation, physicochemical variation, residue mobility, and thermodynamic stability) indicates that this missense variant is not expected to disrupt FAT2 protein function with a negative predictive value of 80%. In summary, the available evidence is currently insufficient to determine the role of this variant in disease. Therefore, it has been classified as a Variant of Uncertain Significance.